The following is an entry in ClinVar:

NM_001458.5(FLNC):c.3676A>G (p.Ile1226Val)

Gene: FLNC (filamin C; plus strand). Cytogenetic location: 7q32.1.
Variant type: single nucleotide variant.
Coding change: c.3676A>G on transcript NM_001458.5 (MANE Select); coding-DNA position 3676, A replaced by G.
Protein change: p.Ile1226Val; replaces isoleucine 1226 with valine.
Molecular consequence: missense variant.
Genome position (GRCh38, 1-based): chr7:128,845,141, A>G. VCF-style: chr7-128845141-A-G. GRCh37 (hg19) VCF-style: chr7-128485195-A-G.
Other names: c.3676A>G, p.Ile1226Val (NM_001127487.2); short protein forms I1226V.
Identifiers: ClinVar variation 1509525 (VCV001509525.7), dbSNP rs1808506817, ClinGen allele CA369197640.

ClinVar aggregate classification (germline): Uncertain significance (1 of 4 stars; one submission).

Conditions:
Myofibrillar myopathy 5. Also called: Filaminopathy (type); FILAMINOPATHY, AUTOSOMAL DOMINANT. Identifiers: Orphanet 171445, MedGen C1836050, MONDO:0012289, OMIM 609524.
Distal myopathy with posterior leg and anterior hand involvement. Also called: WILLIAMS DISTAL MYOPATHY. Identifiers: Orphanet 63273, MedGen C3279722, MONDO:0013550, OMIM 614065.
Hypertrophic cardiomyopathy 26. Also called: Cardiomyopathy, familial hypertrophic, 26. Identifiers: Orphanet 75249, MedGen C4310749, MONDO:0014883, OMIM 617047.

Allele frequency attached by ClinVar (database versions not stated): gnomAD exomes below 0.00001.
gnomAD v4.1: 2 of 1,613,942 alleles (0.00012%); highest among the groups gnomAD compares: Non-Finnish European, 0.000085%; no homozygotes.

Submission:

Labcorp Genetics (formerly Invitae), Labcorp
Classification: Uncertain significance for Distal myopathy with posterior leg and anterior hand involvement; Myofibrillar myopathy 5; Hypertrophic cardiomyopathy 26. Last evaluated: 2025-10-19. Review status: criteria provided, single submitter. Criteria: Invitae Variant Classification Sherloc (09022015). Collection method: clinical testing. Allele origin: germline.
Comment: This sequence change replaces isoleucine, which is neutral and non-polar, with valine, which is neutral and non-polar, at codon 1226 of the FLNC protein (p.Ile1226Val). This variant is not present in population databases (gnomAD no frequency). This variant has not been reported in the literature in individuals affected with FLNC-related conditions. ClinVar contains an entry for this variant (Variation ID: 1509525). Invitae Evidence Modeling of protein sequence and biophysical properties (such as structural, functional, and spatial information, amino acid conservation, physicochemical variation, residue mobility, and thermodynamic stability) has been performed for this missense variant. However, the output from this modeling did not meet the statistical confidence thresholds required to predict the impact of this variant on FLNC protein function. In summary, the available evidence is currently insufficient to determine the role of this variant in disease. Therefore, it has been classified as a Variant of Uncertain Significance.